The following is an entry in ClinVar:

NM_001909.5(CTSD):c.182C>T (p.Ala61Val)

Genes: CTSD (cathepsin D; minus strand), PRADX (PRC2 and DDX5 associated lncRNA; plus strand). Cytogenetic location: 11p15.5.
Variant type: single nucleotide variant.
Coding change: c.182C>T on transcript NM_001909.5 (MANE Select); coding-DNA position 182, C replaced by T.
Protein change: p.Ala61Val; replaces alanine 61 with valine.
Molecular consequence: missense variant.
Genome position (GRCh38, 1-based): chr11:1,761,355, G>A on the plus strand (C>T on the coding strand, the complement: CTSD is on the minus strand). VCF-style: chr11-1761355-G-A. GRCh37 (hg19) VCF-style: chr11-1782585-G-A.
Other names: short protein forms A61V.
Identifiers: ClinVar variation 1382321 (VCV001382321.6), dbSNP rs868621027, ClinGen allele CA216180839.

ClinVar aggregate classification (germline): Uncertain significance (1 of 4 stars; one submission).

Conditions:
Neuronal ceroid lipofuscinosis. Also called: Neuronal Ceroid Lipofuscinoses. Identifiers: Orphanet 216, Orphanet 79263, MedGen C0027877, MONDO:0016295. Disease mechanism: loss of function.

Submission:

Labcorp Genetics (formerly Invitae), Labcorp
Classification: Uncertain significance for Neuronal ceroid lipofuscinosis. Last evaluated: 2021-09-19. Review status: criteria provided, single submitter. Criteria: Invitae Variant Classification Sherloc (09022015). Collection method: clinical testing. Allele origin: germline.
Comment: This sequence change replaces alanine with valine at codon 61 of the CTSD protein (p.Ala61Val). The alanine residue is weakly conserved and there is a small physicochemical difference between alanine and valine. This variant is not present in population databases (ExAC no frequency). This variant has not been reported in the literature in individuals affected with CTSD-related conditions. Algorithms developed to predict the effect of missense changes on protein structure and function (SIFT, PolyPhen-2, Align-GVGD) all suggest that this variant is likely to be tolerated. In summary, the available evidence is currently insufficient to determine the role of this variant in disease. Therefore, it has been classified as a Variant of Uncertain Significance.